The following is an entry in ClinVar:

NM_207122.2(EXT2):c.544C>T (p.Arg182Ter)

Gene: EXT2 (exostosin glycosyltransferase 2; plus strand). Cytogenetic location: 11p11.2.
Variant type: single nucleotide variant.
Coding change: c.544C>T on transcript NM_207122.2 (MANE Select); coding-DNA position 544, C replaced by T.
Protein change: p.Arg182Ter; replaces arginine 182 with a stop codon.
Molecular consequence: nonsense.
Genome position (GRCh38, 1-based): chr11:44,109,201, C>T. VCF-style: chr11-44109201-C-T. GRCh37 (hg19) VCF-style: chr11-44130751-C-T.
Other names: c.643C>T, p.Arg215Ter (NM_000401.3); c.544C>T, p.Arg182Ter (NM_001178083.3, NM_001389628.1, NM_001389630.1); short protein forms R182*, R215*.
Identifiers: ClinVar variation 265133 (VCV000265133.62), dbSNP rs886039358, ClinGen allele CA10588520.

ClinVar aggregate classification (germline): Pathogenic. Review status: criteria provided, multiple submitters, no conflicts (2 of 4 stars). 7 submissions from 7 submitters: Pathogenic (7). Last evaluated 2025-11-28.

Conditions:
Seizures-scoliosis-macrocephaly syndrome. Also called: Seizures, scoliosis, and macrocephaly syndrome; SEIZURES, SCOLIOSIS, AND MACROCEPHALY/MICROCEPHALY SYNDROME. Identifiers: Orphanet 466926, MedGen C4225248, MONDO:0014731, OMIM 616682.
Exostoses, multiple, type 2 (EXT2). Also called: Hereditary Multiple Osteochondromatosis, Type II; EXOSTOSES, MULTIPLE, TYPE II. Identifiers: Orphanet 321, MedGen C1851413, MONDO:0007586, OMIM 133701.
EXT2-related disorders.

Allele frequency attached by ClinVar (database versions not stated): gnomAD below 0.00001 and 0.00001; gnomAD exomes below 0.00001; TOPMed 0.00001.
gnomAD v4.1: 4 of 1,613,850 alleles (0.00025%); highest among the groups gnomAD compares: African/African-American, 0.0013%; no homozygotes.

Submissions (7):

Labcorp Genetics (formerly Invitae), Labcorp
Classification: Pathogenic for Exostoses, multiple, type 2. Last evaluated: 2025-11-28. Review status: criteria provided, single submitter. Criteria: Invitae Variant Classification Sherloc (09022015). Collection method: clinical testing. Allele origin: germline.
Comment: This sequence change creates a premature translational stop signal (p.Arg182*) in the EXT2 gene. It is expected to result in an absent or disrupted protein product. Loss-of-function variants in EXT2 are known to be pathogenic (PMID: 10679937, 19810120). This variant is not present in population databases (gnomAD no frequency). This premature translational stop signal has been observed in individual(s) with hereditary multiple osteochondromatosis (PMID: 10713884, 23262345, 23439489, 23629877, 26961984). Invitae Evidence Modeling of clinical and family history, age, sex, and reported ancestry of multiple individuals with this EXT2 variant has been performed. This variant is expected to be pathogenic with a positive predictive value of at least 99%. This is a validated machine learning model that incorporates the clinical features of 66,185 individuals referred to our laboratory for EXT2 testing. ClinVar contains an entry for this variant (Variation ID: 265133). For these reasons, this variant has been classified as Pathogenic.

Dasa
Classification: Pathogenic. Last evaluated: 2025-07-07. Review status: criteria provided, single submitter. Criteria: DASA Assertion Criteria. Collection method: clinical testing. Allele origin: germline.
Comment: NM_207122.2(EXT2):c.544C>T (p.Arg182*) introduces a premature termination codon predicted to result in loss of normal protein function. Loss-of-function is an established mechanism of disease for this gene. This variant has been recurrently observed in individuals with related phenotype (PMID: 30105120; PMID: 23629877). The variant is present at low frequency in population datasets. Based on the available data, this variant is classified as pathogenic.

Blueprint Genetics
Classification: Pathogenic for EXT2-related disorders. Last evaluated: 2024-05-22. Review status: criteria provided, single submitter. Criteria: ACMG Guidelines, 2015. Collection method: clinical testing. Allele origin: germline. Affected: yes. Observed: 4 variant alleles.

GeneDx
Classification: Pathogenic. Last evaluated: 2023-10-24. Review status: criteria provided, single submitter. Criteria: GeneDx Variant Classification Process June 2021. Collection method: clinical testing. Allele origin: germline. Affected: yes.
Comment: Nonsense variant predicted to result in protein truncation or nonsense mediated decay in a gene for which loss-of-function is a known mechanism of disease; Not observed in large population cohorts (gnomAD); This variant is associated with the following publications: (PMID: 27616605, 30334991, 25525159, 23439489, 10713884, 26961984, 30105120, 23629877, 23262345, 33632255, 32293802, 33414810)

CeGaT Center for Human Genetics Tuebingen
Classification: Pathogenic. Last evaluated: 2019-03-01. Review status: criteria provided, single submitter. Criteria: CeGaT Center For Human Genetics Tuebingen Variant Classification Criteria Version 2. Collection method: clinical testing. Allele origin: germline. Affected: yes. Observed: 1 variant allele.

Juno Genomics, Hangzhou Juno Genomics, Inc
Classification: Pathogenic for Seizures-scoliosis-macrocephaly syndrome; Exostoses, multiple, type 2. Review status: criteria provided, single submitter. Criteria: ACMG Guidelines, 2015. Collection method: clinical testing. Allele origin: germline. Affected: yes.
Comment: Null variant in a gene where loss of function (LOF) is a known mechanism of disease.;Absent from controls (or at extremely low frequency if recessive) in Genome Aggregation Database.;The prevalence of the variant in affected individuals is significantly increased compared to the prevalence in controls.;Co-segregation with disease in multiple affected family members.;Patient's phenotype or family history is highly specific for a disease with a single genetic etiology.

Neuberg Centre For Genomic Medicine, NCGM
Classification: Pathogenic for Exostoses, multiple, type 2. Review status: criteria provided, single submitter. Criteria: ACMG Guidelines, 2015. Collection method: clinical testing. Allele origin: germline. Inheritance: Autosomal dominant inheritance. Affected: yes.
Comment: The stop gained c.544C>T (p.Arg182Ter) variant has been observed in individuals and families affected with hereditary multiple osteochondromatosis (DobsonStone C et al). The p.Arg182Ter variant is novel (not in any individuals) in gnomAD Exomes and is novel (not in any individuals) in 1000 Genomes. This variant has been submitted to the ClinVar database as Pathogenic. The nucleotide change c.544C>T in EXT2 is predicted as conserved by GERP++ and PhyloP across 100 vertebrates. This variant is predicted to cause loss of normal protein function through protein truncation. Loss of function variants have been previously reported to be disease causing. For these reasons, this variant has been classified as Pathogenic.

Literature cited by the submitters: PubMed 10679937 (cited by Labcorp Genetics (formerly Invitae), Labcorp); PubMed 19810120 (cited by Labcorp Genetics (formerly Invitae), Labcorp); PubMed 10713884 (cited by Labcorp Genetics (formerly Invitae), Labcorp); PubMed 23262345 (cited by Labcorp Genetics (formerly Invitae), Labcorp); PubMed 23439489 (cited by Labcorp Genetics (formerly Invitae), Labcorp); PubMed 23629877 (cited by Labcorp Genetics (formerly Invitae), Labcorp and Dasa); PubMed 26961984 (cited by Labcorp Genetics (formerly Invitae), Labcorp); PubMed 30105120 (cited by Dasa).